The following is an entry in ClinVar:

ClinVar aggregate classification (germline): Uncertain significance (0 of 4 stars; one submission).

Allele frequency attached by ClinVar (database versions not stated): TOPMed below 0.00001; ExAC 0.00001; gnomAD exomes 0.00001 and 0.00002.
gnomAD v4.1: 18 of 1,612,538 alleles (0.0011%); highest among the groups gnomAD compares: East Asian, 0.016%; no homozygotes.

Submission:

Department of Pathology and Laboratory Medicine, Sinai Health System
Classification: Uncertain significance. Review status: no assertion criteria provided. Collection method: clinical testing. Allele origin: unknown. Affected: yes. Study: The Canadian Open Genetics Repository (COGR).
Comment: The APPL1 p.Arg46Trp variant was not identified in the literature nor was it identified in ClinVar. The variant was identified in dbSNP (ID: rs765656762) and in control databases in 4 of 250582 chromosomes at a frequency of 0.00001596 (Genome Aggregation Database March 6, 2019, v2.1.1). The variant was observed in the following populations: Latino in 2 of 34292 chromosomes (freq: 0.000058), East Asian in 1 of 18360 chromosomes (freq: 0.000054) and European (non-Finnish) in 1 of 113508 chromosomes (freq: 0.000009), but was not observed in the African, Ashkenazi Jewish, European (Finnish), Other, or South Asian populations. The p.Arg46 residue is conserved across mammals and other organisms, and four out of five computational analyses (PolyPhen-2, SIFT, AlignGVGD, BLOSUM, MutationTaster) suggest that the variant may impact the protein; however, this information is not predictive enough to assume pathogenicity. The variant occurs outside of the splicing consensus sequence and in silico or computational prediction software programs (SpliceSiteFinder, MaxEntScan, NNSPLICE, GeneSplicer) do not predict a difference in splicing. In summary, based on the above information the clinical significance of this variant cannot be determined with certainty at this time. This variant is classified as a variant of uncertain significance.

NM_012096.3(APPL1):c.136C>T (p.Arg46Trp)

Gene: APPL1 (adaptor protein, phosphotyrosine interacting with PH domain and leucine zipper 1; plus strand). Cytogenetic location: 3p14.3.
Variant type: single nucleotide variant.
Coding change: c.136C>T on transcript NM_012096.3 (MANE Select); coding-DNA position 136, C replaced by T.
Protein change: p.Arg46Trp; replaces arginine 46 with tryptophan.
Molecular consequence: missense variant.
Genome position (GRCh38, 1-based): chr3:57,235,647, C>T. VCF-style: chr3-57235647-C-T. GRCh37 (hg19) VCF-style: chr3-57269675-C-T.
Other names: short protein forms R46W.
Identifiers: ClinVar variation 1049015 (VCV001049015.1), dbSNP rs765656762, ClinGen allele CA2463404.
Genomic context (GRCh38, chr3:57,235,647, plus strand): 5'-TTTGAAGAAGATGCCACAGCTATTTCCAACTATATGAACCAGTTGTATCAAGCTATGCAT[C>T]GGATTTATGATGCACAGGTAAAACACTAAGGACTAACTTGATGCTTTTAAAACACGAATC-3'
Protein context (NP_036228.1, residues 36-56): YMNQLYQAMH[Arg46Trp]IYDAQNELSA